The following is an entry in ClinVar:

ClinVar aggregate classification (germline): Uncertain significance (1 of 4 stars; one submission).

Conditions:
Hereditary cancer-predisposing syndrome. Also called: Neoplastic Syndromes, Hereditary; Hereditary Cancer Syndrome; Tumor predisposition; Hereditary neoplastic syndrome. Identifiers: Orphanet 140162, MedGen C0027672, MeSH D009386, MONDO:0015356.

Submission:

Ambry Genetics
Classification: Uncertain significance for Hereditary cancer-predisposing syndrome. Last evaluated: 2025-01-21. Review status: criteria provided, single submitter. Criteria: Ambry Variant Classification Scheme 2023. Collection method: clinical testing. Allele origin: germline.
Comment: The c.4661_4669delACCTCTATA variant (also known as p.N1554_Y1556del) is located in coding exon 30 of the ATM gene. This variant results from an in-frame ACCTCTATA deletion at nucleotide positions 4661 to 4669. This results in the in-frame deletion of 3 amino acids at codons 1554 to 1556. This amino acid region is well conserved in available vertebrate species. In addition, this alteration is predicted to be deleterious by in silico analysis (Choi Y et al. PLoS ONE. 2012; 7(10):e46688). Based on the available evidence, the clinical significance of this variant remains unclear.

NM_000051.4(ATM):c.4661_4669del (p.Asn1554_Tyr1556del)

Gene: ATM (ATM serine/threonine kinase; plus strand). Cytogenetic location: 11q22.3.
Variant type: Deletion.
Coding change: c.4661_4669del on transcript NM_000051.4 (MANE Select); coding-DNA positions 4661 to 4669, 9 bases deleted (ACCTCTATA; older notation c.4661_4669delACCTCTATA).
Protein change: p.Asn1554_Tyr1556del.
Molecular consequence: inframe deletion.
Genome position (GRCh38, 1-based): chr11:108,293,362-108,293,370, ACCTCTATA deleted; deleting any 9 consecutive bases within chr11:108,293,361-108,293,370 gives the same sequence; the c. name uses the placement nearest the transcript's 3' end. VCF-style (leftmost placement, unchanged base first): chr11-108293360-AAACCTCTAT-A. GRCh37 (hg19) VCF-style: chr11-108164087-AAACCTCTAT-A.
Other names: c.4661_4669del, p.Asn1554_Tyr1556del (NM_001351834.2).
Identifiers: ClinVar variation 3802090 (VCV003802090.1).